The following is an entry in ClinVar:

NM_001134363.3(RBM20):c.-8C>T

Gene: RBM20 (RNA binding motif protein 20; plus strand). Cytogenetic location: 10q25.2.
Variant type: single nucleotide variant.
Coding change: c.-8C>T on transcript NM_001134363.3 (MANE Select); 8 bases upstream of the start codon, C replaced by T.
Molecular consequence: 5 prime UTR variant.
Genome position (GRCh38, 1-based): chr10:110,644,447, C>T. VCF-style: chr10-110644447-C-T. GRCh37 (hg19) VCF-style: chr10-112404205-C-T.
Other names: c.-8C>T (LRG_382t1).
Identifiers: ClinVar variation 514315 (VCV000514315.1), dbSNP rs1353505181, ClinGen allele CA596021841.

ClinVar aggregate classification (germline): Likely benign (1 of 4 stars; one submission).

Allele frequency attached by ClinVar (database versions not stated): TOPMed 0.00002; gnomAD 0.00003; gnomAD exomes 0.00009.
gnomAD v4.1: 124 of 1,480,582 alleles (0.0084%); highest among the groups gnomAD compares: Non-Finnish European, 0.011%; no homozygotes.

Submission:

GeneDx
Classification: Likely benign. Last evaluated: 2017-12-27. Review status: criteria provided, single submitter. Criteria: GeneDx Variant Classification (06012015). Collection method: clinical testing. Allele origin: germline. Affected: yes.
Comment: This variant is considered likely benign or benign based on one or more of the following criteria: it is a conservative change, it occurs at a poorly conserved position in the protein, it is predicted to be benign by multiple in silico algorithms, and/or has population frequency not consistent with disease.